The following is an entry in ClinVar:

ClinVar aggregate classification (germline): Benign. Review status: criteria provided, multiple submitters, no conflicts (2 of 4 stars). 3 submissions from 3 submitters: Benign (3). Last evaluated 2021-05-05.

Conditions:
Hyperglycinuria. Also called: GLYCINURIA WITH OR WITHOUT OXALATE NEPHROLITHIASIS; GLYCINURIA WITH OR WITHOUT OXALATE UROLITHIASIS; IMINOGLYCINURIA TYPE II. Identifiers: MedGen C0543541, MONDO:0007677, OMIM 138500, HP:0003108.

Allele frequency attached by ClinVar (database versions not stated): gnomAD exomes 0.01358 and 0.02503; ExAC 0.04529; gnomAD 0.05778 and 0.05932; TOPMed 0.06286; ESP Exome Variant Server 0.06296; 1000 Genomes Project 0.07009; 1000 Genomes Project 30x 0.07167.
gnomAD v4.1: 29,055 of 1,598,238 alleles (1.8%); highest among the groups gnomAD compares: African/African-American, 18%; 1,496 homozygotes.

Submissions (3):

GeneDx
Classification: Benign. Last evaluated: 2021-05-05. Review status: criteria provided, single submitter. Criteria: GeneDx Variant Classification Process June 2021. Collection method: clinical testing. Allele origin: germline. Affected: yes.

Illumina Laboratory Services, Illumina
Classification: Benign for Hyperglycinuria. Last evaluated: 2018-01-13. Review status: criteria provided, single submitter. Criteria: ICSL Variant Classification Criteria 13 December 2019. Collection method: clinical testing. Allele origin: germline.
Comment: This variant was observed in the ICSL laboratory as part of a predisposition screen in an ostensibly healthy population. It had not been previously curated by ICSL or reported in the Human Gene Mutation Database (HGMD: prior to June 1st, 2018), and was therefore a candidate for classification through an automated scoring system. Utilizing variant allele frequency, disease prevalence and penetrance estimates, and inheritance mode, an automated score was calculated to assess if this variant is too frequent to cause the disease. Based on the score and internal cut-off values, a variant classified as benign is not then subjected to further curation. The score for this variant resulted in a classification of benign for this disease.

Breakthrough Genomics
Classification: Benign. Review status: criteria provided, single submitter. Criteria: ACMG Guidelines, 2015. Collection method: not provided. Allele origin: germline. Inheritance: Autosomal recessive inheritance. Affected: yes.

NM_020208.4(SLC6A20):c.282C>G (p.Val94=)

Gene: SLC6A20 (solute carrier family 6 member 20; minus strand). Cytogenetic location: 3p21.31.
Variant type: single nucleotide variant.
Coding change: c.282C>G on transcript NM_020208.4 (MANE Select); coding-DNA position 282, C replaced by G.
Protein change: p.Val94=; no amino-acid change (valine 94 retained).
Molecular consequence: synonymous variant.
Genome position (GRCh38, 1-based): chr3:45,780,081, G>C on the plus strand (C>G on the coding strand, the complement: SLC6A20 is on the minus strand). VCF-style: chr3-45780081-G-C. GRCh37 (hg19) VCF-style: chr3-45821573-G-C.
Other names: c.282C>G, p.Val94= (NM_022405.4).
Identifiers: ClinVar variation 345423 (VCV000345423.9), dbSNP rs2742399, ClinGen allele CA2351675.
Genomic context (GRCh38, chr3:45,780,081, plus strand): 5'-GAAGAGGTACCAGAAGGCCCAGGCGTTGATGACGTTGTAGTACATGGAGAGGAAGAAAGA[G>C]ACCACCACGCTGGCGACCCCTGCGAGGAAGCAGAGGGCCGCGCTGAGGACTGAGGATGGC-3'
Protein context (NP_064593.1, residues 84-104): LSGVGVASVV[Val94=]SFFLSMYYNV